The following is an entry in ClinVar:

ClinVar aggregate classification (germline): Pathogenic. Review status: criteria provided, single submitter (1 of 4 stars). 2 submissions from 2 submitters: Pathogenic (1). 1 of the submissions does not count toward it. Last evaluated 2023-08-04.

Conditions:
Joubert syndrome. Also called: CEREBELLOPARENCHYMAL DISORDER IV; JOUBERT-BOLTSHAUSER SYNDROME; Familial aplasia of the vermis. Identifiers: Orphanet 475, MedGen C5979921, MONDO:0018772.
Meckel-Gruber syndrome. Also called: DYSENCEPHALIA SPLANCHNOCYSTICA; Dysencephalia splachnocystica; GRUBER SYNDROME. Identifiers: Orphanet 564, MedGen C0265215, MONDO:0018921.
Joubert syndrome 6 (JBTS6). Identifiers: Orphanet 475, MedGen C1853153, MONDO:0012539, OMIM 610688.

Allele frequency attached by ClinVar (database versions not stated): gnomAD 0.00001; gnomAD exomes 0.00001 and below 0.00001; TOPMed below 0.00001.
gnomAD v4.1: 9 of 1,614,100 alleles (0.00056%); highest among the groups gnomAD compares: Non-Finnish European, 0.00076%; no homozygotes.

Submissions (2):

Labcorp Genetics (formerly Invitae), Labcorp
Classification: Pathogenic for Joubert syndrome; Meckel-Gruber syndrome. Last evaluated: 2023-08-04. Review status: criteria provided, single submitter. Criteria: Invitae Variant Classification Sherloc (09022015). Collection method: clinical testing. Allele origin: germline.
Comment: ClinVar contains an entry for this variant (Variation ID: 1386). This premature translational stop signal has been observed in individual(s) with Joubert syndrome (PMID: 19508969). This variant is present in population databases (rs267607118, gnomAD 0.0009%). This sequence change creates a premature translational stop signal (p.Gln44*) in the TMEM67 gene. It is expected to result in an absent or disrupted protein product. Loss-of-function variants in TMEM67 are known to be pathogenic (PMID: 20232449, 23559409). For these reasons, this variant has been classified as Pathogenic.

OMIM
Classification: Pathogenic for JOUBERT SYNDROME 6. Last evaluated: 2009-10-01. Review status: no assertion criteria provided. Collection method: literature only. Allele origin: germline. Not counted in ClinVar's aggregate classification.

Literature cited by the submitters: PubMed 19508969 (cited by Labcorp Genetics (formerly Invitae), Labcorp and OMIM); PubMed 20232449 (cited by Labcorp Genetics (formerly Invitae), Labcorp); PubMed 23559409 (cited by Labcorp Genetics (formerly Invitae), Labcorp).

NM_153704.6(TMEM67):c.130C>T (p.Gln44Ter)

Gene: TMEM67 (transmembrane protein 67; plus strand). Cytogenetic location: 8q22.1.
Variant type: single nucleotide variant.
Coding change: c.130C>T on transcript NM_153704.6 (MANE Select); coding-DNA position 130, C replaced by T.
Protein change: p.Gln44Ter; replaces glutamine 44 with a stop codon.
Molecular consequence: nonsense. On other transcripts: 5 prime UTR variant (1), non-coding transcript variant (1).
Genome position (GRCh38, 1-based): chr8:93,755,044, C>T. VCF-style: chr8-93755044-C-T. GRCh37 (hg19) VCF-style: chr8-94767272-C-T.
Other names: c.-155C>T (NM_001142301.1); short protein forms Q44*.
Identifiers: ClinVar variation 1386 (VCV000001386.7), dbSNP rs267607118, ClinGen allele CA251770.
Genomic context (GRCh38, chr8:93,755,044, plus strand): 5'-GCGTTCCTTCTGTTGTTCCTCCCTCGCTTCTTACAGGCCCAGACCTTCTCTTTCCCTTTC[C>T]AGCAGCCGGAGAAGTGCGACAACAACCAGTACTTTGATATCTCCGCCCTCTCGTGTGTTC-3'